The following is an entry in ClinVar:

ClinVar aggregate classification (germline): Uncertain significance (1 of 4 stars; one submission).

Allele frequency attached by ClinVar (database versions not stated): gnomAD 0.00001; gnomAD exomes 0.00001; TOPMed 0.00001.

Submission:

Labcorp Genetics (formerly Invitae), Labcorp
Classification: Uncertain significance. Last evaluated: 2022-08-31. Review status: criteria provided, single submitter. Criteria: Invitae Variant Classification Sherloc (09022015). Collection method: clinical testing. Allele origin: germline.
Comment: In summary, the available evidence is currently insufficient to determine the role of this variant in disease. Therefore, it has been classified as a Variant of Uncertain Significance. Experimental studies and prediction algorithms are not available or were not evaluated, and the functional significance of this variant is currently unknown. ClinVar contains an entry for this variant (Variation ID: 1351576). This variant has not been reported in the literature in individuals affected with POLR3A-related conditions. This variant is not present in population databases (gnomAD no frequency). This variant, c.3609_3611del, results in the deletion of 1 amino acid(s) of the POLR3A protein (p.Ile1204del), but otherwise preserves the integrity of the reading frame.

NM_007055.4(POLR3A):c.3609_3611del (p.Ile1204del)

Gene: POLR3A (RNA polymerase III subunit A; minus strand). Cytogenetic location: 10q22.3.
Variant type: Deletion.
Coding change: c.3609_3611del on transcript NM_007055.4 (MANE Select); coding-DNA positions 3609 to 3611, 3 bases deleted (CAT; older notation c.3609_3611delCAT).
Protein change: p.Ile1204del; deletes isoleucine 1204.
Molecular consequence: inframe deletion.
Genome position (GRCh38, 1-based): chr10:77,982,302-77,982,304, ATG deleted on the plus strand (CAT on the coding strand, the reverse complement: POLR3A is on the minus strand). VCF-style (leftmost placement, unchanged base first): chr10-77982301-AATG-A. GRCh37 (hg19) VCF-style: chr10-79742059-AATG-A.
Other names: short protein forms I1204del.
Identifiers: ClinVar variation 1351576 (VCV001351576.8), dbSNP rs1009093854, ClinGen allele CA210188705.